The following is an entry in ClinVar:

NM_015102.5(NPHP4):c.1797G>A (p.Val599=)

Gene: NPHP4 (nephrocystin 4; minus strand). Cytogenetic location: 1p36.31.
Variant type: single nucleotide variant.
Coding change: c.1797G>A on transcript NM_015102.5 (MANE Select); coding-DNA position 1797, G replaced by A.
Protein change: p.Val599=; no amino-acid change (valine 599 retained).
Molecular consequence: synonymous variant. On other transcripts: non-coding transcript variant (1).
Genome position (GRCh38, 1-based): chr1:5,905,450, C>T on the plus strand (G>A on the coding strand, the complement: NPHP4 is on the minus strand). VCF-style: chr1-5905450-C-T. GRCh37 (hg19) VCF-style: chr1-5965510-C-T.
Other names: c.258G>A, p.Val86= (NM_001291593.2); c.261G>A, p.Val87= (NM_001291594.2); c.1797G>A (NM_015102.4).
Identifiers: ClinVar variation 1530717 (VCV001530717.10), dbSNP rs776240800, ClinGen allele CA554362.
Genomic context (GRCh38, chr1:5,905,450, plus strand): 5'-AGCCTCGGCTGGCTGTTTATTGGCATCCAGAATCTCGGGAAAGCCGGAGGACTGCAGGAG[C>T]ACCATGGAGGCTCTCGAGGGCTGCCCTGCAGAGCTGAGACACAGAGACTCCTCAGGTAGC-3'
Protein context (NP_055917.1, residues 589-609): SAGQPSRASM[Val599=]LLQSSGFPEI

ClinVar aggregate classification (germline): Likely benign. Review status: criteria provided, multiple submitters, no conflicts (2 of 4 stars). 2 submissions from 2 submitters: Likely benign (2). Last evaluated 2026-01-14.

Conditions:
Nephronophthisis. Also called: Juvenile Nephronophthisis. Identifiers: Orphanet 655, MedGen C0687120, MONDO:0019005, HP:0000090.
NPHP4-related disorder. Also called: NPHP4-related condition; NPHP4-related disorders. Identifiers: MedGen CN239384.

Allele frequency attached by ClinVar (database versions not stated): ExAC 0.00002; gnomAD exomes 0.00002.

Submissions (2):

PreventionGenetics, part of Exact Sciences
Classification: Likely benign for NPHP4-related condition. Last evaluated: 2026-01-14. Review status: criteria provided, single submitter. Criteria: ACMG Guidelines, 2015. Collection method: clinical testing. Allele origin: germline.
Comment: This variant is classified as likely benign based on ACMG/AMP sequence variant interpretation guidelines (Richards et al. 2015 PMID: 25741868, with internal and published modifications).

Labcorp Genetics (formerly Invitae), Labcorp
Classification: Likely benign for Nephronophthisis. Last evaluated: 2025-07-21. Review status: criteria provided, single submitter. Criteria: Invitae Variant Classification Sherloc (09022015). Collection method: clinical testing. Allele origin: germline.